The following is an entry in ClinVar:

ClinVar aggregate classification (germline): Uncertain significance (1 of 4 stars; one submission).

Conditions:
Hereditary cancer-predisposing syndrome. Also called: Hereditary Cancer Syndrome; Neoplastic Syndromes, Hereditary; Hereditary neoplastic syndrome; Tumor predisposition. Identifiers: Orphanet 140162, MedGen C0027672, MeSH D009386, MONDO:0015356.

Submission:

Ambry Genetics
Classification: Uncertain significance for Hereditary cancer-predisposing syndrome. Last evaluated: 2015-12-11. Review status: criteria provided, single submitter. Criteria: Ambry Variant Classification Scheme 2023. Collection method: clinical testing. Allele origin: germline.
Comment: The p.G840E variant (also known as c.2519G>A), located in coding exon 24 of the RB1 gene, results from a G to A substitution at nucleotide position 2519. The glycine at codon 840 is replaced by glutamic acid, an amino acid with similar properties. This variant was not reported in population based cohorts in the following databases: Database of Single Nucleotide Polymorphisms (dbSNP), NHLBI Exome Sequencing Project (ESP), and 1000 Genomes Project. In the ESP, this variant was not observed in 6495 samples (12990 alleles) with coverage at this position. To date, this alteration has been detected with an allele frequency of approximately 0.2% (greater than 600 alleles tested) in our clinical cohort. This amino acid position is highly conserved in available vertebrate species. In addition, this alteration is predicted to be deleterious by in silico analysis. Since supporting evidence is limited at this time, the clinical significance of p.G840E remains unclear.

NM_000321.3(RB1):c.2519G>A (p.Gly840Glu)

Gene: RB1 (RB transcriptional corepressor 1; plus strand). Cytogenetic location: 13q14.2.
Variant type: single nucleotide variant.
Coding change: c.2519G>A on transcript NM_000321.3 (MANE Select); coding-DNA position 2519, G replaced by A.
Protein change: p.Gly840Glu; replaces glycine 840 with glutamic acid.
Molecular consequence: missense variant.
Genome position (GRCh38, 1-based): chr13:48,473,389, G>A. VCF-style: chr13-48473389-G-A. GRCh37 (hg19) VCF-style: chr13-49047525-G-A.
Other names: short protein forms G840E.
Identifiers: ClinVar variation 428725 (VCV000428725.5), dbSNP rs1131690900, ClinGen allele CA388168164.